The following is an entry in ClinVar:

NM_001374259.2(IL12RB2):c.1088C>A (p.Thr363Asn)

Gene: IL12RB2 (interleukin 12 receptor subunit beta 2; plus strand). Cytogenetic location: 1p31.3.
Variant type: single nucleotide variant.
Coding change: c.1088C>A on transcript NM_001374259.2 (MANE Select); coding-DNA position 1088, C replaced by A.
Protein change: p.Thr363Asn; replaces threonine 363 with asparagine.
Molecular consequence: missense variant. On other transcripts: non-coding transcript variant (2).
Genome position (GRCh38, 1-based): chr1:67,350,919, C>A. VCF-style: chr1-67350919-C-A. GRCh37 (hg19) VCF-style: chr1-67816602-C-A.
Other names: c.1088C>A (NM_001559.2); c.1088C>A, p.Thr363Asn (NM_001258214.1, NM_001258215.1, NM_001258216.1 and 2 more transcripts); short protein forms T363N.
Identifiers: ClinVar variation 1462630 (VCV001462630.11), dbSNP rs770479015, ClinGen allele CA900405.
Genomic context (GRCh38, chr1:67,350,919, plus strand): 5'-TCTTGTTGCAGAATCTGAGTGTCTCAGAGGCAAGAGGAAAAATTCTCCACTATCAGGTGA[C>A]CTTGCAGGAGCTGACAGGAGGGAAAGCCATGACACAGAACATCACAGGACACACCTCCTG-3'
Protein context (NP_001361188.1, residues 353-373): ARGKILHYQV[Thr363Asn]LQELTGGKAM

ClinVar aggregate classification (germline): Uncertain significance. Review status: criteria provided, multiple submitters, no conflicts (2 of 4 stars). 2 submissions from 2 submitters: Uncertain significance (2). Last evaluated 2025-11-24.

Allele frequency attached by ClinVar (database versions not stated): TOPMed below 0.00001; gnomAD 0.00001; ExAC 0.00002; gnomAD exomes 0.00004 and 0.00005.
gnomAD v4.1: 64 of 1,613,936 alleles (0.004%); highest among the groups gnomAD compares: South Asian, 0.048%; no homozygotes.

Submissions (2):

Ambry Genetics
Classification: Uncertain significance. Last evaluated: 2025-11-24. Review status: criteria provided, single submitter. Criteria: Ambry Variant Classification Scheme 2023. Collection method: clinical testing. Allele origin: germline.

Labcorp Genetics (formerly Invitae), Labcorp
Classification: Uncertain significance. Last evaluated: 2025-08-03. Review status: criteria provided, single submitter. Criteria: Invitae Variant Classification Sherloc (09022015). Collection method: clinical testing. Allele origin: germline.
Comment: This sequence change replaces threonine, which is neutral and polar, with asparagine, which is neutral and polar, at codon 363 of the IL12RB2 protein (p.Thr363Asn). This variant is present in population databases (rs770479015, gnomAD 0.05%). This variant has not been reported in the literature in individuals affected with IL12RB2-related conditions. ClinVar contains an entry for this variant (Variation ID: 1462630). An algorithm developed to predict the effect of missense changes on protein structure and function (PolyPhen-2) suggests that this variant is likely to be disruptive. In summary, the available evidence is currently insufficient to determine the role of this variant in disease. Therefore, it has been classified as a Variant of Uncertain Significance.